The following is an entry in ClinVar:

ClinVar aggregate classification (germline): Uncertain significance. Review status: criteria provided, multiple submitters, no conflicts (2 of 4 stars). 2 submissions from 2 submitters: Uncertain significance (2). Last evaluated 2024-06-30.

Conditions:
Cardiomyopathy (CMYO). Also called: Cardiomyopathies. Identifiers: Orphanet 167848, MedGen C0878544, MONDO:0004994, HP:0001638. Inheritance: Various modes of inheritance.

Submissions (2):

Color Diagnostics, LLC DBA Color Health
Classification: Uncertain significance for Cardiomyopathy. Last evaluated: 2024-06-30. Review status: criteria provided, single submitter. Criteria: ACMG Guidelines, 2015. Collection method: clinical testing. Allele origin: germline.
Comment: This variant inserts 1 nucleotide in exon 27 of the MYH7 gene, creating a frameshift and premature translation stop signal. This variant is expected to result in an absent or non-functional protein product. To our knowledge, this variant has not been reported in individuals affected with MYH7-related disorders in the literature. This variant has not been identified in the general population by the Genome Aggregation Database (gnomAD). The available evidence is insufficient to determine the role of this variant in disease conclusively. Therefore, this variant is classified as a Variant of Uncertain Significance.

Women's Health and Genetics/Laboratory Corporation of America, LabCorp
Classification: Uncertain significance. Last evaluated: 2024-06-07. Review status: criteria provided, single submitter. Criteria: LabCorp Variant Classification Summary - May 2015. Collection method: clinical testing. Allele origin: germline.
Comment: Variant summary: MYH7 c.3337dupG (p.Ala1113GlyfsX19) results in a premature termination codon, predicted to cause a truncation of the encoded protein or absence of the protein due to nonsense mediated decay, however the molecular mechanism of disease attributed to MYH7 is gain-of-function. The variant was absent in 244596 control chromosomes. The available data on variant occurrences in the general population are insufficient to allow any conclusion about variant significance. To our knowledge, no occurrence of c.3337dupG in individuals affected with Cardiomyopathy and no experimental evidence demonstrating its impact on protein function have been reported. No submitters have cited clinical-significance assessments for this variant to ClinVar. Based on the evidence outlined above, the variant was classified as uncertain significance.

NM_000257.4(MYH7):c.3337dupG

Gene: MYH7 (myosin heavy chain 7; minus strand). Cytogenetic location: 14q11.2.
Variant type: Duplication.
Coding change: c.3337dupG on transcript NM_000257.4 (MANE Select); coding-DNA position 3337, one base duplicated (G).
Molecular consequence: splice acceptor variant.
Genome position (GRCh38, 1-based): chr14:23,420,234, C duplicated on the plus strand (G on the coding strand, the reverse complement: MYH7 is on the minus strand); the first of 2 consecutive C bases (chr14:23,420,234-23,420,235); duplicating either gives the same sequence. VCF-style (leftmost placement, unchanged base first): chr14-23420233-G-GC. GRCh37 (hg19) VCF-style: chr14-23889442-G-GC.
Other names: c.3337dup (NM_000257.4).
Identifiers: ClinVar variation 3339695 (VCV003339695.2).